The following is an entry in ClinVar:

ClinVar aggregate classification (germline): Uncertain significance (1 of 4 stars; one submission).

Submission:

CeGaT Center for Human Genetics Tuebingen
Classification: Uncertain significance. Last evaluated: 2026-03-01. Review status: criteria provided, single submitter. Criteria: CeGaT Center For Human Genetics Tuebingen Variant Classification Criteria Version 2. Collection method: clinical testing. Allele origin: germline. Affected: yes. Observed: 1 variant allele.
Comment: SH3TC2: PM2, BP4

NM_024577.4(SH3TC2):c.3774C>G (p.Asp1258Glu)

Gene: SH3TC2 (SH3 domain and tetratricopeptide repeats 2; minus strand). Cytogenetic location: 5q32.
Variant type: single nucleotide variant.
Coding change: c.3774C>G on transcript NM_024577.4 (MANE Select); coding-DNA position 3774, C replaced by G.
Protein change: p.Asp1258Glu; replaces aspartic acid 1258 with glutamic acid.
Molecular consequence: missense variant.
Genome position (GRCh38, 1-based): chr5:149,004,804, G>C on the plus strand (C>G on the coding strand, the complement: SH3TC2 is on the minus strand). VCF-style: chr5-149004804-G-C. GRCh37 (hg19) VCF-style: chr5-148384367-G-C.
Other names: short protein forms D1258E.
Identifiers: ClinVar variation 4823822 (VCV004823822.4).